The following is an entry in ClinVar:

ClinVar aggregate classification (germline): Uncertain significance (1 of 4 stars; one submission).

Conditions:
Cholestanol storage disease (CTX). Also called: CTX: Cerebrotendinous xanthomatosis; Cerebrotendinous Xanthomatosis; CEREBRAL CHOLESTERINOSIS. Identifiers: Orphanet 909, MedGen C0238052, MONDO:0008948, OMIM 213700.

Allele frequency attached by ClinVar (database versions not stated): gnomAD exomes below 0.00001; ExAC 0.00001.
gnomAD v4.1: 9 of 1,614,118 alleles (0.00056%); highest among the groups gnomAD compares: Non-Finnish European, 0.00076%; no homozygotes.

Submission:

Labcorp Genetics (formerly Invitae), Labcorp
Classification: Uncertain significance for Cholestanol storage disease. Last evaluated: 2021-10-22. Review status: criteria provided, single submitter. Criteria: Invitae Variant Classification Sherloc (09022015). Collection method: clinical testing. Allele origin: germline.
Comment: This sequence change replaces glycine with valine at codon 465 of the CYP27A1 protein (p.Gly465Val). The glycine residue is moderately conserved and there is a moderate physicochemical difference between glycine and valine. This variant is present in population databases (rs777432192, ExAC 0.002%). This variant has not been reported in the literature in individuals with CYP27A1-related conditions. Algorithms developed to predict the effect of missense changes on protein structure and function are either unavailable or do not agree on the potential impact of this missense change (SIFT: "Deleterious"; PolyPhen-2: "Probably Damaging"; Align-GVGD: "Class C0"). In summary, the available evidence is currently insufficient to determine the role of this variant in disease. Therefore, it has been classified as a Variant of Uncertain Significance.

NM_000784.4(CYP27A1):c.1394G>T (p.Gly465Val)

Gene: CYP27A1 (cytochrome P450 family 27 subfamily A member 1; plus strand). Cytogenetic location: 2q35.
Variant type: single nucleotide variant.
Coding change: c.1394G>T on transcript NM_000784.4 (MANE Select); coding-DNA position 1394, G replaced by T.
Protein change: p.Gly465Val; replaces glycine 465 with valine.
Molecular consequence: missense variant.
Genome position (GRCh38, 1-based): chr2:218,814,675, G>T. VCF-style: chr2-218814675-G-T. GRCh37 (hg19) VCF-style: chr2-219679398-G-T.
Other names: short protein forms G465V.
Identifiers: ClinVar variation 1508720 (VCV001508720.3), dbSNP rs777432192, ClinGen allele CA2112886.